The following is an entry in ClinVar:

ClinVar aggregate classification (germline): Uncertain significance (1 of 4 stars; one submission).

Conditions:
Atrioventricular septal defect 4 (AVSD4). Identifiers: MedGen C3280781, MONDO:0013747, OMIM 614430.

Allele frequency attached by ClinVar (database versions not stated): gnomAD exomes below 0.00001.
gnomAD v4.1: 3 of 1,607,878 alleles (0.00019%); highest among the groups gnomAD compares: Non-Finnish European, 0.00026%; no homozygotes.

Submission:

Labcorp Genetics (formerly Invitae), Labcorp
Classification: Uncertain significance for Atrioventricular septal defect 4. Last evaluated: 2025-09-25. Review status: criteria provided, single submitter. Criteria: Invitae Variant Classification Sherloc (09022015). Collection method: clinical testing. Allele origin: germline.
Comment: This sequence change falls in intron 5 of the GATA4 gene. It does not directly change the encoded amino acid sequence of the GATA4 protein. It affects a nucleotide within the consensus splice site. This variant is not present in population databases (gnomAD no frequency). This variant has not been reported in the literature in individuals affected with GATA4-related conditions. ClinVar contains an entry for this variant (Variation ID: 2200950). Variants that disrupt the consensus splice site are a relatively common cause of aberrant splicing (PMID: 17576681, 9536098). Algorithms developed to predict the effect of sequence changes on RNA splicing suggest that this variant may disrupt the consensus splice site. In summary, the available evidence is currently insufficient to determine the role of this variant in disease. Therefore, it has been classified as a Variant of Uncertain Significance.

Literature cited by the submitters: PubMed 17576681; PubMed 9536098.

NM_001308093.3(GATA4):c.1000+5G>A

Gene: GATA4 (GATA binding protein 4). Cytogenetic location: 8p23.1.
Variant type: single nucleotide variant.
Coding change: c.1000+5G>A on transcript NM_001308093.3 (MANE Select); 5 bases into the intron after coding-DNA position 1000, G replaced by A.
Molecular consequence: intron variant.
Genome position (GRCh38, 1-based): chr8:11,755,138, G>A. VCF-style: chr8-11755138-G-A. GRCh37 (hg19) VCF-style: chr8-11612647-G-A.
Other names: c.379+5G>A (NM_001308094.2, NM_001374273.1); c.997+5G>A (NM_002052.5); c.253+5G>A (NM_001374274.1).
Identifiers: ClinVar variation 2200950 (VCV002200950.4), dbSNP rs2486996945, ClinGen allele CA2579094155.